The following is an entry in ClinVar:

ClinVar aggregate classification (germline): Benign. Review status: criteria provided, single submitter (1 of 4 stars). 2 submissions from 2 submitters: Benign (1). 1 of the submissions does not count toward it. Last evaluated 2019-10-17.

Conditions:
Leigh syndrome (NULS). Also called: Leigh's syndrome; Leigh Disease; Leigh's necrotizing encephalopathy; Leigh's disease; Subacute necrotizing encephalopathy; Necrotizing encephalopathy infantile subacute of Leigh. Identifiers: Orphanet 506, MedGen C2931891, MONDO:0009723, OMIM 256000.
Autosomal recessive early-onset Parkinson disease 6 (PARK6). Also called: PINK1 Type of Young-Onset Parkinson Disease; PARKINSON DISEASE 6, EARLY-ONSET; PARKINSON DISEASE 6, MODIFIER OF; PINK1-Related Parkinson Disease. Identifiers: Orphanet 2828, MedGen C1853833, MONDO:0011613, OMIM 605909.

Submissions (2):

Wong Mito Lab, Molecular and Human Genetics, Baylor College of Medicine
Classification: Benign for Leigh syndrome. Last evaluated: 2019-10-17. Review status: criteria provided, single submitter. Criteria: Modified ACMG Guidelines (Unpublished). Collection method: clinical testing. Allele origin: germline.
Comment: The NC_012920.1:m.14319T>C (YP_003024037.1:p.Asn119Asp) variant in MTND6 gene is interpretated to be a Benign variant based on the modified ACMG guidelines (unpublished). This variant meets the following evidence codes: BS1, BS2, BP4

OMIM
Classification: risk factor for PARKINSON DISEASE 6, MODIFIER OF. Last evaluated: 2008-09-01. Review status: no assertion criteria provided. Collection method: literature only. Allele origin: germline. Not counted in ClinVar's aggregate classification.

Literature cited by the submitters: PubMed 21457906 (cited by Wong Mito Lab, Molecular and Human Genetics, Baylor College of Medicine); PubMed 18524835 (cited by OMIM).

NC_012920.1(MT-ND6):m.14319T>C

Gene: MT-ND6 (mitochondrially encoded NADH dehydrogenase 6; minus strand).
Variant type: single nucleotide variant.
Genome position: chrM-14319-T-C.
Other names: 14319T-C.
Identifiers: ClinVar variation 9695 (VCV000009695.3), dbSNP rs199476110, ClinGen allele CA254854.